The following is an entry in ClinVar:

NM_175914.5(HNF4A):c.50-4700G>A

Gene: HNF4A (hepatocyte nuclear factor 4 alpha; plus strand). Cytogenetic location: 20q13.12.
Variant type: single nucleotide variant.
Coding change: c.50-4700G>A on transcript NM_175914.5 (MANE Select); 4700 bases into the intron before coding-DNA position 50, G replaced by A.
Molecular consequence: intron variant. On other transcripts: 5 prime UTR variant (4).
Genome position (GRCh38, 1-based): chr20:44,401,358, G>A. VCF-style: chr20-44401358-G-A. GRCh37 (hg19) VCF-style: chr20-43029998-G-A.
Other names: c.-15G>A (NM_000457.6, NM_178849.3, NM_178850.3); c.-127G>A (NM_001258355.2); c.41-4700G>A (NM_001287182.2, NM_001287183.2, NM_001287184.2); c.50-4700G>A (NM_001030003.3, NM_001030004.3, NM_175914.4).
Identifiers: ClinVar variation 338424 (VCV000338424.7), dbSNP rs568730599, ClinGen allele CA9870057.

ClinVar aggregate classification (germline): Likely benign. Review status: reviewed by expert panel (3 of 4 stars). 5 submissions from 4 submitters: Likely benign (1). 4 of the submissions do not count toward it. Last evaluated 2025-09-26.

Conditions:
Monogenic diabetes. Identifiers: Orphanet 183625, MedGen C3888631, MONDO:0015967.
Maturity-onset diabetes of the young (MODY). Also called: Maturity onset diabetes mellitus in young. Identifiers: Orphanet 552, MedGen C0342276, MONDO:0018911, HP:0004904.
Familial hyperinsulinism. Also called: Congenital hyperinsulinism. Identifiers: Orphanet 276525, MedGen C3888018, MONDO:0017182. Disease mechanism: loss of function.
Maturity-onset diabetes of the young type 1. Also called: MILD JUVENILE DIABETES MELLITUS; MODY, type I; MODY type 1; Diabetes mellitus MODY type 1; MODY HNF4A related; HNF4A-Related Maturity-Onset Diabetes of the Young Type 1. Identifiers: Orphanet 552, MedGen C1852093, MONDO:0007452, OMIM 125850. Disease mechanism: loss of function.

Allele frequency attached by ClinVar (database versions not stated): gnomAD 0.00005 and 0.00004; gnomAD exomes 0.00005 and 0.00010; ExAC 0.00012; 1000 Genomes Project 30x 0.00016; 1000 Genomes Project 0.00020; TOPMed 0.00004.
gnomAD v4.1: 81 of 1,614,018 alleles (0.005%); highest among the groups gnomAD compares: Admixed American, 0.0083%; no homozygotes.

Submissions (5):

ClinGen Monogenic Diabetes Variant Curation Expert Panel
Classification: Likely benign for Monogenic diabetes. Last evaluated: 2025-09-26. Review status: reviewed by expert panel. Criteria: ClinGen Diabetes ACMG Specifications HNF4A V3.0.0. Collection method: curation. Allele origin: germline. Inheritance: Autosomal dominant inheritance.
Comment: The c.50-4700G>A variant in the HNF4 homeobox A gene, HNF4A, is a single nucleotide variant within intron 1 of NM_175914.5. The computational splicing predictor SpliceAI gives a score of 0.01 for donor loss and 0.00 for acceptor loss, suggesting that the variant has no impact on splicing (BP4). This variant has a Grpmax Filtering allele frequency in gnomAD v4.1.0 of 0.00003422, which is greater than the MDEP threshold for BS1 (0.000033) (BS1). In summary, c.50-4700G>A meets the criteria to be classified as likely benign for monogenic diabetes. ACMG/AMP criteria applied, as specified by the ClinGen MDEP (specification version 3.0.0, approved 6/30/2025): BS1, BP4.

Women's Health and Genetics/Laboratory Corporation of America, LabCorp
Classification: Benign. Last evaluated: 2023-08-21. Review status: criteria provided, single submitter. Criteria: LabCorp Variant Classification Summary - May 2015. Collection method: clinical testing. Allele origin: germline. Not counted in ClinVar's aggregate classification.
Comment: Variant summary: HNF4A c.50-4700G>A is located at a position not widely known to affect splicing. 4/4 computational tools predict no significant impact on normal splicing. However, these predictions have yet to be confirmed by functional studies. The variant allele was found at a frequency of 9.6e-05 in 251202 control chromosomes. The observed variant frequency is approximately 30-fold of the estimated maximal expected allele frequency for a pathogenic variant in HNF4A causing Maturity Onset Diabetes Of The Young 1/Neonatal Diabetes Mellitus phenotype (3.1e-06), strongly suggesting that the variant is benign. To our knowledge, no occurrence of c.50-4700G>A in individuals affected with Maturity Onset Diabetes Of The Young 1/Neonatal Diabetes Mellitus and no experimental evidence demonstrating its impact on protein function have been reported. Two submitters have cited clinical-significance assessments for this variant to ClinVar after 2014. One submitter classified the variant as likely benign, and one submitter classified the variant as uncertain significance. Based on the evidence outlined above, the variant was classified as benign.

Illumina Laboratory Services, Illumina
Classification: Likely benign for Maturity-onset diabetes of the young type 1. Last evaluated: 2018-01-12. Review status: criteria provided, single submitter. Criteria: ICSL Variant Classification Criteria 13 December 2019. Collection method: clinical testing. Allele origin: germline. Not counted in ClinVar's aggregate classification.
Comment: This variant was observed in the ICSL laboratory as part of a predisposition screen in an ostensibly healthy population. It had not been previously curated by ICSL or reported in the Human Gene Mutation Database (HGMD: prior to June 1st, 2018), and was therefore a candidate for classification through an automated scoring system. Utilizing variant allele frequency, disease prevalence and penetrance estimates, and inheritance mode, an automated score was calculated to assess if this variant is too frequent to cause the disease. Based on the score and internal cut-off values, a variant classified as likely benign is not then subjected to further curation. The score for this variant resulted in a classification of likely benign for this disease.

Illumina Laboratory Services, Illumina
Classification: Uncertain significance for Familial hyperinsulinism. Last evaluated: 2018-01-12. Review status: criteria provided, single submitter. Criteria: ICSL Variant Classification Criteria 13 December 2019. Collection method: clinical testing. Allele origin: germline. Not counted in ClinVar's aggregate classification.

Clinical Genomics, Uppaluri K&H Personalized Medicine Clinic
Classification: Uncertain significance for Maturity-onset diabetes of the young. Review status: criteria provided, single submitter. Criteria: K & H Uppaluri Personalized Medicine Clinic Variant Classification & Assertion Criteria_Updated V.1. Collection method: research. Allele origin: unknown. Inheritance: Autosomal dominant inheritance. Not counted in ClinVar's aggregate classification.
Comment: Potent mutations in HNF4A are associated with poor insulin secretion in response to hyperglycemia. Associated with MODY1. Patients initially respond well to sulfonylureas but eventually become insulin dependent. However, more evidence is required to ascertain the role of this particular variant rs568730599 in MODY, yet.

Literature cited by the submitters: DOI 10.1159/000334532 (cited by Clinical Genomics, Uppaluri K&H Personalized Medicine Clinic); PubMed 18268044 (cited by Clinical Genomics, Uppaluri K&H Personalized Medicine Clinic); PubMed 17563455 (cited by Clinical Genomics, Uppaluri K&H Personalized Medicine Clinic); PubMed 32583173 (cited by Clinical Genomics, Uppaluri K&H Personalized Medicine Clinic); PubMed 35052457 (cited by Clinical Genomics, Uppaluri K&H Personalized Medicine Clinic); PubMed 35118593 (cited by Clinical Genomics, Uppaluri K&H Personalized Medicine Clinic).